The following is an entry in ClinVar:

NM_001453.3(FOXC1):c.1180C>T (p.His394Tyr)

Gene: FOXC1 (forkhead box C1; plus strand). Cytogenetic location: 6p25.3.
Variant type: single nucleotide variant.
Coding change: c.1180C>T on transcript NM_001453.3 (MANE Select); coding-DNA position 1180, C replaced by T.
Protein change: p.His394Tyr; replaces histidine 394 with tyrosine.
Molecular consequence: missense variant.
Genome position (GRCh38, 1-based): chr6:1,611,625, C>T. VCF-style: chr6-1611625-C-T. GRCh37 (hg19) VCF-style: chr6-1611860-C-T.
Other names: short protein forms H394Y.
Identifiers: ClinVar variation 2235581 (VCV002235581.3), dbSNP rs1304195222, ClinGen allele CA362560377.

ClinVar aggregate classification (germline): Uncertain significance. Review status: criteria provided, multiple submitters, no conflicts (2 of 4 stars). 2 submissions from 2 submitters: Uncertain significance (2). Last evaluated 2026-07-14.

Conditions:
FOXC1-related disorder. Also called: FOXC1-related condition.
Inborn genetic diseases. Identifiers: MedGen C0950123, MeSH D030342.

Allele frequency attached by ClinVar (database versions not stated): gnomAD exomes below 0.00001; gnomAD 0.00002.
gnomAD v4.1: 4 of 1,283,910 alleles (0.00031%); highest among the groups gnomAD compares: African/African-American, 0.0048%; no homozygotes.

Submissions (2):

PreventionGenetics, part of Exact Sciences
Classification: Uncertain significance for FOXC1-related condition. Last evaluated: 2026-07-14. Review status: criteria provided, single submitter. Criteria: ACMG Guidelines, 2015. Collection method: clinical testing. Allele origin: germline.
Comment: The FOXC1 c.1180C>T variant is predicted to result in the amino acid substitution p.His394Tyr. To our knowledge, this variant has not been reported in the literature. This variant is reported in 0.0% of alleles in individuals of African descent in gnomAD. At this time, the clinical significance of this variant is uncertain due to the absence of conclusive functional and genetic evidence.

Ambry Genetics
Classification: Uncertain significance for Inborn genetic diseases. Last evaluated: 2021-07-09. Review status: criteria provided, single submitter. Criteria: Ambry Variant Classification Scheme 2023. Collection method: clinical testing. Allele origin: germline.